The following is an entry in ClinVar:

NM_138295.5(PKD1L1):c.4190G>A (p.Arg1397Gln)

Gene: PKD1L1 (polycystin 1 like 1, transient receptor potential channel interacting; minus strand). Cytogenetic location: 7p12.3.
Variant type: single nucleotide variant.
Coding change: c.4190G>A on transcript NM_138295.5 (MANE Select); coding-DNA position 4190, G replaced by A.
Protein change: p.Arg1397Gln; replaces arginine 1397 with glutamine.
Molecular consequence: missense variant.
Genome position (GRCh38, 1-based): chr7:47,858,845, C>T on the plus strand (G>A on the coding strand, the complement: PKD1L1 is on the minus strand). VCF-style: chr7-47858845-C-T. GRCh37 (hg19) VCF-style: chr7-47898443-C-T.
Other names: c.4190G>A (NM_138295.3); short protein forms R1397Q.
Identifiers: ClinVar variation 3709390 (VCV003709390.4).

ClinVar aggregate classification (germline): Uncertain significance. Review status: criteria provided, multiple submitters, no conflicts (2 of 4 stars). 3 submissions from 3 submitters: Uncertain significance (3). Last evaluated 2025-11-11.

Conditions:
Inborn genetic diseases. Identifiers: MedGen C0950123, MeSH D030342.
PKD1L1-related disorder. Also called: PKD1L1-related condition.

gnomAD v4.1: 4 of 1,613,890 alleles (0.00025%); highest among the groups gnomAD compares: East Asian, 0.0089%; no homozygotes.

Submissions (3):

PreventionGenetics, part of Exact Sciences
Classification: Uncertain significance for PKD1L1-related condition. Last evaluated: 2025-11-11. Review status: criteria provided, single submitter. Criteria: ACMG Guidelines, 2015. Collection method: clinical testing. Allele origin: germline.
Comment: The PKD1L1 c.4190G>A variant is predicted to result in the amino acid substitution p.Arg1397Gln. To our knowledge, this variant has not been reported in the literature. This variant is reported in 0.010% of alleles in individuals of East Asian descent in gnomAD. At this time, the clinical significance of this variant is uncertain due to the absence of conclusive functional and genetic evidence.

Labcorp Genetics (formerly Invitae), Labcorp
Classification: Uncertain significance. Last evaluated: 2025-10-02. Review status: criteria provided, single submitter. Criteria: Invitae Variant Classification Sherloc (09022015). Collection method: clinical testing. Allele origin: germline.
Comment: This sequence change replaces arginine, which is basic and polar, with glutamine, which is neutral and polar, at codon 1397 of the PKD1L1 protein (p.Arg1397Gln). This variant is present in population databases (rs745939563, gnomAD 0.01%). This variant has not been reported in the literature in individuals affected with PKD1L1-related conditions. ClinVar contains an entry for this variant (Variation ID: 3709390). Invitae Evidence Modeling of protein sequence and biophysical properties (such as structural, functional, and spatial information, amino acid conservation, physicochemical variation, residue mobility, and thermodynamic stability) indicates that this missense variant is not expected to disrupt PKD1L1 protein function with a negative predictive value of 80%. In summary, the available evidence is currently insufficient to determine the role of this variant in disease. Therefore, it has been classified as a Variant of Uncertain Significance.

Ambry Genetics
Classification: Uncertain significance for Inborn genetic diseases. Last evaluated: 2025-08-09. Review status: criteria provided, single submitter. Criteria: Ambry Variant Classification Scheme 2023. Collection method: clinical testing. Allele origin: germline.